The following is an entry in ClinVar:

ClinVar aggregate classification (germline): Likely benign (1 of 4 stars; one submission).

Submission:

GeneDx
Classification: Likely benign. Last evaluated: 2017-02-27. Review status: criteria provided, single submitter. Criteria: GeneDx Variant Classification (06012015). Collection method: clinical testing. Allele origin: germline. Affected: yes.
Comment: This variant is considered likely benign or benign based on one or more of the following criteria: it is a conservative change, it occurs at a poorly conserved position in the protein, it is predicted to be benign by multiple in silico algorithms, and/or has population frequency not consistent with disease.

NM_001852.4(COL9A2):c.1401+13C>T

Gene: COL9A2 (collagen type IX alpha 2 chain; minus strand). Cytogenetic location: 1p34.2.
Variant type: single nucleotide variant.
Coding change: c.1401+13C>T on transcript NM_001852.4 (MANE Select); 13 bases into the intron after coding-DNA position 1401, C replaced by T.
Molecular consequence: intron variant.
Genome position (GRCh38, 1-based): chr1:40,303,794, G>A on the plus strand (C>T on the coding strand, the complement: COL9A2 is on the minus strand). VCF-style: chr1-40303794-G-A. GRCh37 (hg19) VCF-style: chr1-40769466-G-A.
Identifiers: ClinVar variation 507580 (VCV000507580.1), dbSNP rs1553182640, ClinGen allele CA658795433.